The following is an entry in ClinVar:

NM_001194998.2(CEP152):c.2238_2242dup (p.Arg748fs)

Gene: CEP152 (centrosomal protein 152; minus strand). Cytogenetic location: 15q21.1.
Variant type: Duplication.
Coding change: c.2238_2242dup on transcript NM_001194998.2 (MANE Select); coding-DNA positions 2238 to 2242, 5 bases duplicated (TCTCA; older notation c.2238_2242dupTCTCA).
Protein change: p.Arg748fs; shifts the reading frame from arginine 748.
Molecular consequence: frameshift variant.
Genome position (GRCh38, 1-based): chr15:48,767,098-48,767,102, TGAGA duplicated on the plus strand (TCTCA on the coding strand, the reverse complement: CEP152 is on the minus strand). VCF-style (leftmost placement, unchanged base first): chr15-48767097-C-CTGAGA. GRCh37 (hg19) VCF-style: chr15-49059294-C-CTGAGA.
Other names: c.2238_2242dup, p.Arg748fs (NM_014985.4); short protein forms R748fs.
Identifiers: ClinVar variation 2821450 (VCV002821450.3), dbSNP rs2504700478, ClinGen allele CA2739269454.

ClinVar aggregate classification (germline): Pathogenic (1 of 4 stars; one submission).

Submission:

Labcorp Genetics (formerly Invitae), Labcorp
Classification: Pathogenic. Last evaluated: 2022-12-16. Review status: criteria provided, single submitter. Criteria: Invitae Variant Classification Sherloc (09022015). Collection method: clinical testing. Allele origin: germline.
Comment: This sequence change creates a premature translational stop signal (p.Arg748Ilefs*36) in the CEP152 gene. It is expected to result in an absent or disrupted protein product. Loss-of-function variants in CEP152 are known to be pathogenic (PMID: 21131973). For these reasons, this variant has been classified as Pathogenic. This variant has not been reported in the literature in individuals affected with CEP152-related conditions. This variant is not present in population databases (gnomAD no frequency).

Literature cited by the submitters: PubMed 21131973.